The following is an entry in ClinVar:

NM_000760.4(CSF3R):c.722C>T (p.Ala241Val)

Gene: CSF3R (colony stimulating factor 3 receptor; minus strand). Cytogenetic location: 1p34.3.
Variant type: single nucleotide variant.
Coding change: c.722C>T on transcript NM_000760.4 (MANE Select); coding-DNA position 722, C replaced by T.
Protein change: p.Ala241Val; replaces alanine 241 with valine.
Molecular consequence: missense variant.
Genome position (GRCh38, 1-based): chr1:36,472,638, G>A on the plus strand (C>T on the coding strand, the complement: CSF3R is on the minus strand). VCF-style: chr1-36472638-G-A. GRCh37 (hg19) VCF-style: chr1-36938239-G-A.
Other names: c.722C>T, p.Ala241Val (NM_156039.3, NM_172313.3, LRG_144t1); short protein forms A241V.
Identifiers: ClinVar variation 434842 (VCV000434842.15), dbSNP rs199991273, ClinGen allele CA769398.

ClinVar aggregate classification (germline): Conflicting classifications of pathogenicity. Review status: criteria provided, conflicting classifications (1 of 4 stars). 4 submissions from 4 submitters: Uncertain significance (2); Likely benign (1). 1 of the submissions does not count toward it. Last evaluated 2025-12-16.

Conditions:
CSF3R-related disorder. Also called: CSF3R-related condition.
Autosomal recessive severe congenital neutropenia due to CSF3R deficiency. Also called: Neutropenia, severe congenital, 7, autosomal recessive. Identifiers: Orphanet 420702, MedGen C4310764, MONDO:0014865, OMIM 617014.

Allele frequency attached by ClinVar (database versions not stated): gnomAD 0.00003 and 0.00004; TOPMed 0.00005; gnomAD exomes 0.00008; ExAC 0.00011; 1000 Genomes Project 0.00020; 1000 Genomes Project 30x 0.00031.
gnomAD v4.1: 82 of 1,611,244 alleles (0.0051%); highest among the groups gnomAD compares: Admixed American, 0.018%; no homozygotes.

Submissions (4):

Labcorp Genetics (formerly Invitae), Labcorp
Classification: Uncertain significance for Autosomal recessive severe congenital neutropenia due to CSF3R deficiency. Last evaluated: 2025-12-16. Review status: criteria provided, single submitter. Criteria: Invitae Variant Classification Sherloc (09022015). Collection method: clinical testing. Allele origin: germline.
Comment: This sequence change replaces alanine, which is neutral and non-polar, with valine, which is neutral and non-polar, at codon 241 of the CSF3R protein (p.Ala241Val). This variant is present in population databases (rs199991273, gnomAD 0.02%). This variant has not been reported in the literature in individuals affected with CSF3R-related conditions. ClinVar contains an entry for this variant (Variation ID: 434842). An algorithm developed to predict the effect of missense changes on protein structure and function outputs the following: PolyPhen-2: "Benign". The valine amino acid residue is found in multiple mammalian species, which suggests that this missense change does not adversely affect protein function. In summary, the available evidence is currently insufficient to determine the role of this variant in disease. Therefore, it has been classified as a Variant of Uncertain Significance.

Blueprint Genetics
Classification: Likely benign. Last evaluated: 2024-11-12. Review status: criteria provided, single submitter. Criteria: ACMG Guidelines, 2015. Collection method: clinical testing. Allele origin: germline.

Genetic Services Laboratory, University of Chicago
Classification: Uncertain significance. Last evaluated: 2016-05-10. Review status: criteria provided, single submitter. Criteria: ACMG Guidelines, 2015. Collection method: clinical testing. Allele origin: germline. Affected: no.

PreventionGenetics, part of Exact Sciences
Classification: Uncertain significance for CSF3R-related condition. Last evaluated: 2024-08-23. Review status: no assertion criteria provided. Collection method: clinical testing. Allele origin: germline. Not counted in ClinVar's aggregate classification.
Comment: The CSF3R c.722C>T variant is predicted to result in the amino acid substitution p.Ala241Val. To our knowledge, this variant has not been reported in the literature. This variant is reported in 0.020% of alleles in individuals of Latino descent in gnomAD. At this time, the clinical significance of this variant is uncertain due to the absence of conclusive functional and genetic evidence.